The following is an entry in ClinVar:

NM_001376.5(DYNC1H1):c.12684+46A>G

Gene: DYNC1H1 (dynein cytoplasmic 1 heavy chain 1; plus strand). Cytogenetic location: 14q32.31.
Variant type: single nucleotide variant.
Coding change: c.12684+46A>G on transcript NM_001376.5 (MANE Select); 46 bases into the intron after coding-DNA position 12684, A replaced by G.
Molecular consequence: intron variant.
Genome position (GRCh38, 1-based): chr14:102,044,091, A>G. VCF-style: chr14-102044091-A-G. GRCh37 (hg19) VCF-style: chr14-102510428-A-G.
Identifiers: ClinVar variation 674024 (VCV000674024.2), dbSNP rs1190606, ClinGen allele CA7354005.

ClinVar aggregate classification (germline): Benign. Review status: criteria provided, multiple submitters, no conflicts (2 of 4 stars). 2 submissions from 2 submitters: Benign (2). Last evaluated 2018-06-18.

Allele frequency attached by ClinVar (database versions not stated): gnomAD exomes 0.12540 and 0.15492; ExAC 0.15643; gnomAD 0.21211 and 0.21569; ESP Exome Variant Server 0.21790; TOPMed 0.23014; 1000 Genomes Project 0.26238; 1000 Genomes Project 30x 0.26671.
gnomAD v4.1: 215,927 of 1,608,418 alleles (13%); highest among the groups gnomAD compares: African/African-American, 45%; 19,993 homozygotes.

Submissions (2):

GeneDx
Classification: Benign. Last evaluated: 2018-06-18. Review status: criteria provided, single submitter. Criteria: GeneDx Variant Classification (06012015). Collection method: clinical testing. Allele origin: germline. Affected: yes.
Comment: This variant is considered likely benign or benign based on one or more of the following criteria: it is a conservative change, it occurs at a poorly conserved position in the protein, it is predicted to be benign by multiple in silico algorithms, and/or has population frequency not consistent with disease.

Breakthrough Genomics
Classification: Benign. Review status: criteria provided, single submitter. Criteria: ACMG Guidelines, 2015. Collection method: not provided. Allele origin: germline. Inheritance: Autosomal dominant inheritance. Affected: yes.